The following is an entry in ClinVar:

NM_030773.4(TUBB1):c.113G>T (p.Gly38Val)

Gene: TUBB1 (tubulin beta 1 class VI; plus strand). Cytogenetic location: 20q13.32.
Variant type: single nucleotide variant.
Coding change: c.113G>T on transcript NM_030773.4 (MANE Select); coding-DNA position 113, G replaced by T.
Protein change: p.Gly38Val; replaces glycine 38 with valine.
Molecular consequence: missense variant.
Genome position (GRCh38, 1-based): chr20:59,022,900, G>T. VCF-style: chr20-59022900-G-T. GRCh37 (hg19) VCF-style: chr20-57597955-G-T.
Other names: short protein forms G38V.
Identifiers: ClinVar variation 4741967 (VCV004741967.1).

ClinVar aggregate classification (germline): Uncertain significance (1 of 4 stars; one submission).

Submission:

Labcorp Genetics (formerly Invitae), Labcorp
Classification: Uncertain significance. Last evaluated: 2025-09-02. Review status: criteria provided, single submitter. Criteria: Invitae Variant Classification Sherloc (09022015). Collection method: clinical testing. Allele origin: germline.
Comment: This sequence change replaces glycine, which is neutral and non-polar, with valine, which is neutral and non-polar, at codon 38 of the TUBB1 protein (p.Gly38Val). This variant is not present in population databases (gnomAD no frequency). This variant has not been reported in the literature in individuals affected with TUBB1-related conditions. Invitae Evidence Modeling of protein sequence and biophysical properties (such as structural, functional, and spatial information, amino acid conservation, physicochemical variation, residue mobility, and thermodynamic stability) indicates that this missense variant is expected to disrupt TUBB1 protein function with a positive predictive value of 80%. In summary, the available evidence is currently insufficient to determine the role of this variant in disease. Therefore, it has been classified as a Variant of Uncertain Significance.